The following is an entry in ClinVar:

NM_005959.5(MTNR1B):c.504C>T (p.Thr168=)

Gene: MTNR1B (melatonin receptor 1B; plus strand). Cytogenetic location: 11q14.3.
Variant type: single nucleotide variant.
Coding change: c.504C>T on transcript NM_005959.5 (MANE Select); coding-DNA position 504, C replaced by T.
Protein change: p.Thr168=; no amino-acid change (threonine 168 retained).
Molecular consequence: synonymous variant.
Genome position (GRCh38, 1-based): chr11:92,981,727, C>T. VCF-style: chr11-92981727-C-T. GRCh37 (hg19) VCF-style: chr11-92714893-C-T.
Identifiers: ClinVar variation 719914 (VCV000719914.5), dbSNP rs140984335, ClinGen allele CA6229024.

ClinVar aggregate classification (germline): Likely benign. Review status: criteria provided, single submitter (1 of 4 stars). 2 submissions from 2 submitters: Likely benign (1). 1 of the submissions does not count toward it. Last evaluated 2018-06-08.

Conditions:
MTNR1B-related disorder. Also called: MTNR1B-related condition.

Allele frequency attached by ClinVar (database versions not stated): ESP Exome Variant Server 0.00062; 1000 Genomes Project 0.00060; 1000 Genomes Project 30x 0.00062; TOPMed 0.00046; gnomAD 0.00065 and 0.00066; gnomAD exomes 0.00085 and 0.00091; ExAC 0.00124.
gnomAD v4.1: 1,356 of 1,614,214 alleles (0.084%); highest among the groups gnomAD compares: Non-Finnish European, 0.1%; 2 homozygotes.

Submissions (2):

Labcorp Genetics (formerly Invitae), Labcorp
Classification: Likely benign. Last evaluated: 2018-06-08. Review status: criteria provided, single submitter. Criteria: Invitae Variant Classification Sherloc (09022015). Collection method: clinical testing. Allele origin: germline.

PreventionGenetics, part of Exact Sciences
Classification: Likely benign for MTNR1B-related condition. Last evaluated: 2019-03-04. Review status: no assertion criteria provided. Collection method: clinical testing. Allele origin: germline. Not counted in ClinVar's aggregate classification.
Comment: This variant is classified as likely benign based on ACMG/AMP sequence variant interpretation guidelines (Richards et al. 2015 PMID: 25741868, with internal and published modifications).